The following is an entry in ClinVar:

ClinVar aggregate classification (germline): Pathogenic. Review status: reviewed by expert panel (3 of 4 stars). 22 submissions from 22 submitters: Pathogenic (1). 21 of the submissions do not count toward it. Last evaluated 2016-09-08.

Conditions:
BRCA1-related cancer predisposition. Identifiers: MedGen CN377757, MONDO:0700268.
Hereditary cancer-predisposing syndrome. Also called: Hereditary Cancer Syndrome; Hereditary neoplastic syndrome; Neoplastic Syndromes, Hereditary; Tumor predisposition. Identifiers: Orphanet 140162, MedGen C0027672, MeSH D009386, MONDO:0015356.
Hereditary breast ovarian cancer syndrome. Also called: BRCA1- and BRCA2-Associated Hereditary Breast and Ovarian Cancer; Hereditary breast and ovarian cancer syndrome; Hereditary breast and ovarian cancer syndrome (HBOC); Breast and ovarian cancer; Hereditary breast and/or ovarian cancer syndrome; Hereditary breast and ovarian cancer. Identifiers: Orphanet 145, MedGen C0677776, MeSH D061325, MONDO:0003582. Disease mechanism: loss of function.
Breast-ovarian cancer, familial, susceptibility to, 1 (BROVCA1). Also called: BRCA1 Hereditary Breast and Ovarian Cancer; OVARIAN CANCER, SUSCEPTIBILITY TO. Identifiers: Orphanet 145, MedGen C2676676, MONDO:0011450, OMIM 604370. Disease mechanism: loss of function.
Malignant tumor of breast. Also called: Cancer breast; Malignant breast neoplasm. Identifiers: MedGen C0006142, MONDO:0007254. Disease mechanism: loss of function.

Submissions 1 to 8 of 22:

Evidence-based Network for the Interpretation of Germline Mutant Alleles (ENIGMA)
Classification: Pathogenic for Breast-ovarian cancer, familial, susceptibility to, 1. Last evaluated: 2016-09-08. Review status: reviewed by expert panel. Criteria: ENIGMA BRCA1/2 Classification Criteria (2015). Collection method: curation. Allele origin: germline.
Comment: Variant allele predicted to encode a truncated non-functional protein.

Labcorp Genetics (formerly Invitae), Labcorp
Classification: Pathogenic for Hereditary breast ovarian cancer syndrome. Last evaluated: 2026-01-25. Review status: criteria provided, single submitter. Criteria: Invitae Variant Classification Sherloc (09022015). Collection method: clinical testing. Allele origin: germline. Not counted in ClinVar's aggregate classification.
Comment: This sequence change creates a premature translational stop signal (p.Val1713*) in the BRCA1 gene. It is expected to result in an absent or disrupted protein product. Loss-of-function variants in BRCA1 are known to be pathogenic (PMID: 20104584). This variant is present in population databases (rs80357997, gnomAD 0.0009%). This premature translational stop signal has been observed in individual(s) with breast cancer, ovarian cancer, and male breast cancer (PMID: 7611277, 16683254, 25948282, 26976419, 27767231). It has also been observed to segregate with disease in related individuals. This variant is also known as 5256delG. ClinVar contains an entry for this variant (Variation ID: 55411). For these reasons, this variant has been classified as Pathogenic.

Quest Diagnostics Nichols Institute San Juan Capistrano
Classification: Pathogenic. Last evaluated: 2025-08-19. Review status: criteria provided, single submitter. Criteria: Quest Diagnostics criteria. Collection method: clinical testing. Allele origin: unknown. Not counted in ClinVar's aggregate classification.
Comment: The BRCA1 c.5137del (p.Val1713*) variant alters the translational reading frame of the BRCA1 mRNA and causes the premature termination of BRCA1 protein synthesis. This variant has been reported in the published literature in individuals and families with breast and/or ovarian cancer (PMIDs: 36451132 (2022), 30093976 (2018), 27767231 (2017), 26976419 (2016), 25948282 (2015), 23192404 (2013), 23034506 (2012), 17624602 (2007), 11597388 (2001), 7611277 (1995)). The frequency of this variant in the general population (Genome Aggregation Database) is consistent with pathogenicity. Based on the available information, this variant is classified as pathogenic.

Laboratory of Genetics, Children's Clinical University Hospital Latvia
Classification: Pathogenic. Last evaluated: 2025-02-16. Review status: criteria provided, single submitter. Criteria: ACMG Guidelines, 2015. Collection method: clinical testing. Allele origin: germline. Affected: yes. Not counted in ClinVar's aggregate classification.

Ambry Genetics
Classification: Pathogenic for Hereditary cancer-predisposing syndrome. Last evaluated: 2024-11-20. Review status: criteria provided, single submitter. Criteria: Ambry Variant Classification Scheme 2023. Collection method: clinical testing. Allele origin: germline. Not counted in ClinVar's aggregate classification.
Comment: The c.5137delG pathogenic mutation, located in coding exon 16 of the BRCA1 gene, results from a deletion of one nucleotide at position 5137. This changes the amino acid from a valine to a stop codon (p.V1713*). In addition to the clinical data presented in the literature, this alteration is expected to result in loss of function by premature protein truncation or nonsense-mediated mRNA decay. As such, this alteration is interpreted as a disease-causing mutation.

Molecular Diagnostics Laboratory, Catalan Institute of Oncology
Classification: Pathogenic for Hereditary cancer-predisposing syndrome. Last evaluated: 2024-09-03. Review status: criteria provided, single submitter. Criteria: ClinGen BRCA1BRCA2 ACMG Specifications BRCA1 V1.0.0. Collection method: clinical testing. Allele origin: germline. Not counted in ClinVar's aggregate classification.
Comment: PVS1, PM5_PTC_Strong, PM2_Supporting c.5137del, located in exon 17 (18 according BIC nomenclature) of the BRCA1 gene, is a nonsense variant expected to result in loss of function by premature protein truncation and nonsense-mediated mRNA decay, p.(Val1713*)(PVS1, PM5_PTC_Strong).It is not present in the population database gnomAD v2.1.1, non cancer dataset (PM2_Supporting). No effect is predicted on splicing by SpliceAI. To our knowledge, no relevant functional studies has been reported for this variant. In addition, the variant was also identified in the following databases: BRCA Exchange (pathogenic: “Variant allele predicted to encode a truncated non-functional protein”), ClinVar (17x pathogenic, 1x uncertain significance) and LOVD (78x pathogenic, 1x not provided). Based on currently available information, c.5137del is classified as a pathogenic variant according to ClinGen-BRCA1 Guidelines version v1.0.0.

All of Us Research Program, National Institutes of Health
Classification: Pathogenic for BRCA1-related cancer predisposition. Last evaluated: 2024-07-29. Review status: criteria provided, single submitter. Criteria: ACMG Guidelines, 2015. Collection method: clinical testing. Allele origin: germline. Inheritance: Autosomal dominant inheritance. Observed: 1 variant allele, 1 heterozygote. Not counted in ClinVar's aggregate classification.
Comment: This variant deletes 1 nucleotide in exon 17 of the BRCA1 gene, creating a frameshift and premature translation stop signal. This variant is expected to result in an absent or non-functional protein product. To our knowledge, functional studies have not been reported for this variant. This variant has been reported in individuals and families affected with breast and ovarian cancer (PMID: 7611277, 11139249, 11802209, 16683254, 17624602, 23192404, 25452441, 25948282, 26976419, 27767231) and this variant co-segregated with breast and ovarian cancer in one family (PMID: 7611277). This variant has been identified in 1/251322 chromosomes in the general population by the Genome Aggregation Database (gnomAD). Loss of BRCA1 function is a known mechanism of disease. Based on the available evidence, this variant is classified as Pathogenic.

This study involves interpretation of variants in research participants for the purpose of population health screening. Participant phenotype was not available at the time of variant classification. Additional details can be found in publication PMID: 35346344, PMCID: PMC8962531

Color Diagnostics, LLC DBA Color Health
Classification: Pathogenic for Hereditary cancer-predisposing syndrome. Last evaluated: 2024-05-22. Review status: criteria provided, single submitter. Criteria: ACMG Guidelines, 2015. Collection method: clinical testing. Allele origin: germline. Not counted in ClinVar's aggregate classification.
Comment: This variant deletes 1 nucleotide in exon 17 of the BRCA1 gene, creating a frameshift and premature translation stop signal. This variant is expected to result in an absent or non-functional protein product. This variant has been reported in individuals and families affected with breast and ovarian cancer (PMID: 7611277, 11139249, 11802209, 16683254, 17624602, 23192404, 25452441, 25948282, 26976419, 27767231, 30093976) and this variant co-segregated with breast and ovarian cancer in one family (PMID: 7611277). This variant has been identified in 1/251322 chromosomes in the general population by the Genome Aggregation Database (gnomAD). Loss of BRCA1 function is a known mechanism of disease. Based on the available evidence, this variant is classified as Pathogenic.

NM_007294.4(BRCA1):c.5137del (p.Trp1712_Val1713insTer)

Gene: BRCA1 (BRCA1 DNA repair associated; minus strand). Cytogenetic location: 17q21.31.
Variant type: Deletion.
Coding change: c.5137del on transcript NM_007294.4 (MANE Select); coding-DNA position 5137, one base deleted (G; older notation c.5137delG).
Protein change: p.Trp1712_Val1713insTer.
Molecular consequence: nonsense. On other transcripts: frameshift variant (364), non-coding transcript variant (1).
Genome position (GRCh38, 1-based): chr17:43,063,889, C deleted on the plus strand (G on the coding strand, the reverse complement: BRCA1 is on the minus strand); the first of 3 consecutive C bases (chr17:43,063,889-43,063,891); deleting any one gives the same sequence. VCF-style (leftmost placement, unchanged base first): chr17-43063888-AC-A. GRCh37 (hg19) VCF-style: chr17-41215905-AC-A.
Other names: p.Val1713*; 5256delG; c.5137delG (NM_007294.3); c.4988delG, p.Val1664Terfs (NM_001407843.1, NM_001407844.1, NM_001407845.1 and 12 more transcripts); c.5135delG, p.Val1713Terfs (NM_001407854.1, NM_001407593.1, NM_001407594.1 and 7 more transcripts); c.5132delG, p.Val1712Terfs (NM_001407858.1, NM_001407859.1, NM_001407860.1 and 17 more transcripts); c.5129delG, p.Val1711Terfs (NM_001407861.1, NM_001407627.1, NM_001407628.1 and 14 more transcripts); c.4934delG, p.Val1646Terfs (NM_001407862.1); and 77 more.
Identifiers: ClinVar variation 55411 (VCV000055411.39), dbSNP rs80357997, ClinGen allele CA003261.